The following is an entry in ClinVar:

NM_020822.3(KCNT1):c.2243+277A>T

Gene: KCNT1 (potassium sodium-activated channel subfamily T member 1; plus strand). Cytogenetic location: 9q34.3.
Variant type: single nucleotide variant.
Coding change: c.2243+277A>T on transcript NM_020822.3 (MANE Select); 277 bases into the intron after coding-DNA position 2243, A replaced by T.
Molecular consequence: intron variant.
Genome position (GRCh38, 1-based): chr9:135,773,226, A>T. VCF-style: chr9-135773226-A-T. GRCh37 (hg19) VCF-style: chr9-138665072-A-T.
Other names: c.2108+277A>T (NM_001272003.2).
Identifiers: ClinVar variation 683583 (VCV000683583.1), dbSNP rs34257069, ClinGen allele CA13060519.

ClinVar aggregate classification (germline): Benign (1 of 4 stars; one submission).

Allele frequency attached by ClinVar (database versions not stated): TOPMed 0.15567; 1000 Genomes Project 0.15974; 1000 Genomes Project 30x 0.16396; gnomAD 0.16635 and 0.16749.
gnomAD v4.1: 25,158 of 152,110 alleles (17%); highest among the groups gnomAD compares: African/African-American, 20%; 2,258 homozygotes.

Submission:

GeneDx
Classification: Benign. Last evaluated: 2018-06-14. Review status: criteria provided, single submitter. Criteria: GeneDx Variant Classification (06012015). Collection method: clinical testing. Allele origin: germline. Affected: yes.
Comment: This variant is considered likely benign or benign based on one or more of the following criteria: it is a conservative change, it occurs at a poorly conserved position in the protein, it is predicted to be benign by multiple in silico algorithms, and/or has population frequency not consistent with disease.